The following is an entry in ClinVar:

NM_000548.5(TSC2):c.2036T>C (p.Val679Ala)

Gene: TSC2 (TSC complex subunit 2; plus strand). Cytogenetic location: 16p13.3.
Variant type: single nucleotide variant.
Coding change: c.2036T>C on transcript NM_000548.5 (MANE Select); coding-DNA position 2036, T replaced by C.
Protein change: p.Val679Ala; replaces valine 679 with alanine.
Molecular consequence: missense variant.
Genome position (GRCh38, 1-based): chr16:2,071,873, T>C. VCF-style: chr16-2071873-T-C. GRCh37 (hg19) VCF-style: chr16-2121874-T-C.
Other names: c.2036T>C, p.Val679Ala (NM_001370404.1, NM_001370405.1, NM_001406663.1 and 6 more transcripts); c.2126T>C, p.Val709Ala (NM_001406667.1, NM_001406668.1); c.1925T>C, p.Val642Ala (NM_001406670.1, NM_001318827.2, NM_001406678.1); c.2024T>C, p.Val675Ala (NM_001406671.1, NM_001406673.1); c.1436T>C, p.Val479Ala (NM_001406684.1, NM_001406685.1, NM_001406686.1 and 6 more transcripts); c.692T>C, p.Val231Ala (NM_001406689.1, NM_001406690.1, NM_001406691.1 and 6 more transcripts); c.1889T>C, p.Val630Ala (NM_001318829.2, NM_001406675.1, NM_001406676.1 and 1 more transcripts); c.2069T>C, p.Val690Ala (NM_001318832.2); and 3 more; short protein forms V630A, V642A, V675A, V679A, V231A, V479A, V525A, V690A.
Identifiers: ClinVar variation 2178101 (VCV002178101.5), dbSNP rs2151306774, ClinGen allele CA394274557.

ClinVar aggregate classification (germline): Uncertain significance. Review status: criteria provided, multiple submitters, no conflicts (2 of 4 stars). 3 submissions from 3 submitters: Uncertain significance (3). Last evaluated 2025-07-07.

Conditions:
Tuberous sclerosis syndrome (TSC). Also called: Tuberous Sclerosis Complex; Tuberous sclerosis. Identifiers: Orphanet 805, MedGen C0041341, MONDO:0001734.
Tuberous sclerosis 2 (TSC2). Identifiers: Orphanet 805, MedGen C1860707, MONDO:0013199, OMIM 613254.
Hereditary cancer-predisposing syndrome. Also called: Neoplastic Syndromes, Hereditary; Tumor predisposition; Hereditary Cancer Syndrome; Hereditary neoplastic syndrome. Identifiers: Orphanet 140162, MedGen C0027672, MeSH D009386, MONDO:0015356.

Submissions (3):

Color Diagnostics, LLC DBA Color Health
Classification: Uncertain significance for Tuberous sclerosis syndrome. Last evaluated: 2025-07-07. Review status: criteria provided, single submitter. Criteria: ACMG Guidelines, 2015. Collection method: clinical testing. Allele origin: germline.
Comment: This missense variant replaces valine with alanine at codon 679 of the TSC2 protein. Computational prediction is inconclusive regarding the impact of this variant on protein structure and function. To our knowledge, functional studies have not been reported for this variant. This variant has not been reported in individuals affected with TSC2-related disorders in the literature. This variant has not been identified in the general population by the Genome Aggregation Database (gnomAD). The available evidence is insufficient to determine the role of this variant in disease conclusively. Therefore, this variant is classified as a Variant of Uncertain Significance.

Ambry Genetics
Classification: Uncertain significance for Hereditary cancer-predisposing syndrome. Last evaluated: 2024-02-20. Review status: criteria provided, single submitter. Criteria: Ambry Variant Classification Scheme 2023. Collection method: clinical testing. Allele origin: germline.
Comment: The p.V679A variant (also known as c.2036T>C), located in coding exon 18 of the TSC2 gene, results from a T to C substitution at nucleotide position 2036. The valine at codon 679 is replaced by alanine, an amino acid with similar properties. This amino acid position is conserved. In addition, the in silico prediction for this alteration is inconclusive. Based on the available evidence, the clinical significance of this alteration remains unclear.

Labcorp Genetics (formerly Invitae), Labcorp
Classification: Uncertain significance for Tuberous sclerosis 2. Last evaluated: 2022-02-21. Review status: criteria provided, single submitter. Criteria: Invitae Variant Classification Sherloc (09022015). Collection method: clinical testing. Allele origin: germline.
Comment: This variant is not present in population databases (gnomAD no frequency). In summary, the available evidence is currently insufficient to determine the role of this variant in disease. Therefore, it has been classified as a Variant of Uncertain Significance. Advanced modeling of protein sequence and biophysical properties (such as structural, functional, and spatial information, amino acid conservation, physicochemical variation, residue mobility, and thermodynamic stability) performed at Invitae indicates that this missense variant is not expected to disrupt TSC2 protein function. This variant has not been reported in the literature in individuals affected with TSC2-related conditions. This sequence change replaces valine, which is neutral and non-polar, with alanine, which is neutral and non-polar, at codon 679 of the TSC2 protein (p.Val679Ala).